The following is an entry in ClinVar:

NM_014874.4(MFN2):c.2129T>C (p.Leu710Pro)

Gene: MFN2 (mitofusin 2; plus strand). Cytogenetic location: 1p36.22.
Variant type: single nucleotide variant.
Coding change: c.2129T>C on transcript NM_014874.4 (MANE Select); coding-DNA position 2129, T replaced by C.
Protein change: p.Leu710Pro; replaces leucine 710 with proline.
Molecular consequence: missense variant.
Genome position (GRCh38, 1-based): chr1:12,009,651, T>C. VCF-style: chr1-12009651-T-C. GRCh37 (hg19) VCF-style: chr1-12069708-T-C.
Other names: c.2129T>C, p.Leu710Pro (NM_001127660.2); short protein forms L710P.
Identifiers: ClinVar variation 575589 (VCV000575589.10), dbSNP rs1557537223, ClinGen allele CA338453131.

ClinVar aggregate classification (germline): Pathogenic/Likely pathogenic. Review status: criteria provided, multiple submitters, no conflicts (2 of 4 stars). 3 submissions from 3 submitters: Pathogenic (1); Likely pathogenic (1). 1 of the submissions does not count toward it. Last evaluated 2024-12-18.

Conditions:
Charcot-Marie-Tooth disease. Also called: Charcot-Marie-Tooth Neuropathy; Charcot-Marie-Tooth Hereditary Neuropathy. Identifiers: Orphanet 166, MedGen C0007959, MONDO:0015626.
Charcot-Marie-Tooth disease type 2. Also called: Charcot-Marie-Tooth type 2. Identifiers: Orphanet 64746, MedGen C0270914, MONDO:0018993.
Charcot-Marie-Tooth disease type 2A2. Also called: HEREDITARY MOTOR AND SENSORY NEUROPATHY IIA2; HMSN IIA2; CHARCOT-MARIE-TOOTH DISEASE, AXONAL, TYPE 2A2; CHARCOT-MARIE-TOOTH DISEASE, NEURONAL, TYPE 2A2; Charcot-Marie-Tooth Neuropathy Type 2A2; CHARCOT-MARIE-TOOTH DISEASE, AXONAL, AUTOSOMAL DOMINANT, TYPE 2A2A. Identifiers: Orphanet 99947, MedGen C4721887, MONDO:0012231, OMIM 609260.

Submissions (3):

Labcorp Genetics (formerly Invitae), Labcorp
Classification: Pathogenic for Charcot-Marie-Tooth disease type 2. Last evaluated: 2024-12-18. Review status: criteria provided, single submitter. Criteria: Invitae Variant Classification Sherloc (09022015). Collection method: clinical testing. Allele origin: germline.
Comment: This sequence change replaces leucine, which is neutral and non-polar, with proline, which is neutral and non-polar, at codon 710 of the MFN2 protein (p.Leu710Pro). This variant is not present in population databases (gnomAD no frequency). This missense change has been observed in individuals with autosomal dominant Charcot-Marie-Tooth disease (PMID: 16714318, 28660751; internal data). ClinVar contains an entry for this variant (Variation ID: 575589). Invitae Evidence Modeling of protein sequence and biophysical properties (such as structural, functional, and spatial information, amino acid conservation, physicochemical variation, residue mobility, and thermodynamic stability) indicates that this missense variant is expected to disrupt MFN2 protein function with a positive predictive value of 95%. For these reasons, this variant has been classified as Pathogenic.

Institute of Human Genetics Munich, TUM University Hospital
Classification: Likely pathogenic for Charcot-Marie-Tooth disease type 2A2. Last evaluated: 2021-04-30. Review status: criteria provided, single submitter. Criteria: Classification criteria August 2017. Collection method: clinical testing. Allele origin: de novo. Inheritance: Autosomal dominant inheritance. Affected: yes. Observed: 1 variant allele.

Inherited Neuropathy Consortium
Classification: Uncertain significance for Charcot-Marie-Tooth disease. Review status: no assertion criteria provided. Collection method: literature only. Allele origin: germline. Affected: yes. Not counted in ClinVar's aggregate classification.

Literature cited by the submitters: PubMed 16714318 (cited by Labcorp Genetics (formerly Invitae), Labcorp and Inherited Neuropathy Consortium); PubMed 28660751 (cited by Labcorp Genetics (formerly Invitae), Labcorp).